The following is an entry in ClinVar:

ClinVar aggregate classification (germline): Likely benign (1 of 4 stars; one submission).

Allele frequency attached by ClinVar (database versions not stated): gnomAD exomes below 0.00001 and 0.00002; ExAC 0.00002; gnomAD 0.00007 and 0.00008; ESP Exome Variant Server 0.00009; TOPMed 0.00009.
gnomAD v4.1: 15 of 1,186,833 alleles (0.0013%); highest among the groups gnomAD compares: African/African-American, 0.021%; no homozygotes.

Submission:

GeneDx
Classification: Likely benign. Last evaluated: 2017-10-02. Review status: criteria provided, single submitter. Criteria: GeneDx Variant Classification (06012015). Collection method: clinical testing. Allele origin: germline. Affected: yes.
Comment: This variant is considered likely benign or benign based on one or more of the following criteria: it is a conservative change, it occurs at a poorly conserved position in the protein, it is predicted to be benign by multiple in silico algorithms, and/or has population frequency not consistent with disease.

NM_004541.4(NDUFA1):c.-44C>G

Genes: NDUFA1 (NADH:ubiquinone oxidoreductase subunit A1; plus strand), LOC130068621 (ATAC-STARR-seq lymphoblastoid active region 29902; plus strand). Cytogenetic location: Xq24.
Variant type: single nucleotide variant.
Coding change: c.-44C>G on transcript NM_004541.4 (MANE Select); 44 bases upstream of the start codon, C replaced by G.
Molecular consequence: 5 prime UTR variant.
Genome position (GRCh38, 1-based): chrX:119,871,868, C>G. VCF-style: chrX-119871868-C-G. GRCh37 (hg19) VCF-style: chrX-119005831-C-G.
Identifiers: ClinVar variation 512111 (VCV000512111.1), dbSNP rs374559138, ClinGen allele CA10503512.